The following is an entry in ClinVar:

NM_005660.3(SLC35A2):c.346G>C (p.Ala116Pro)

Gene: SLC35A2 (solute carrier family 35 member A2; minus strand). Cytogenetic location: Xp11.23.
Variant type: single nucleotide variant.
Coding change: c.346G>C on transcript NM_005660.3 (MANE Select); coding-DNA position 346, G replaced by C.
Protein change: p.Ala116Pro; replaces alanine 116 with proline.
Molecular consequence: missense variant.
Genome position (GRCh38, 1-based): chrX:48,906,472, C>G on the plus strand (G>C on the coding strand, the complement: SLC35A2 is on the minus strand). VCF-style: chrX-48906472-C-G. GRCh37 (hg19) VCF-style: chrX-48763749-C-G.
Other names: c.346G>C, p.Ala116Pro (NM_001032289.3, NM_001042498.3, NM_001282647.2); c.274G>C, p.Ala92Pro (NM_001282648.2); c.163G>C, p.Ala55Pro (NM_001282649.2); c.385G>C, p.Ala129Pro (NM_001282650.2); c.430G>C, p.Ala144Pro (NM_001282651.2); short protein forms A116P, A55P, A129P, A92P, A144P.
Identifiers: ClinVar variation 452277 (VCV000452277.2), dbSNP rs1557043133, ClinGen allele CA412896686.

ClinVar aggregate classification (germline): Likely pathogenic (1 of 4 stars; one submission).

Submission:

GeneDx
Classification: Likely pathogenic. Last evaluated: 2017-10-02. Review status: criteria provided, single submitter. Criteria: GeneDx Variant Classification (06012015). Collection method: clinical testing. Allele origin: germline. Affected: yes.
Comment: The A116P variant in the SLC35A2 gene has not been reported previously as a pathogenic variant, nor as a benign variant, to our knowledge. It is not observed in large population cohorts (Lek et al., 2016). This variant is a semi-conservative amino acid substitution that occurs at a position that is conserved across species. In silico analysis predicts this variant is probably damaging to the protein structure/function. We interpret A116P as a likely pathogenic variant.